The following is an entry in ClinVar:

ClinVar aggregate classification (germline): Likely benign. Review status: criteria provided, multiple submitters, no conflicts (2 of 4 stars). 6 submissions from 6 submitters: Likely benign (5). 1 of the submissions does not count toward it. Last evaluated 2026-06-01.

Conditions:
Inborn genetic diseases. Identifiers: MedGen C0950123, MeSH D030342.
DCHS1-related disorder. Also called: DCHS1-related condition.

Allele frequency attached by ClinVar (database versions not stated): 1000 Genomes Project 0.00040; 1000 Genomes Project 30x 0.00047; ExAC 0.00087; gnomAD exomes 0.00088 and 0.00107; ESP Exome Variant Server 0.00092; gnomAD 0.00096 and 0.00098; TOPMed 0.00096.
gnomAD v4.1: 1,705 of 1,612,986 alleles (0.11%); highest among the groups gnomAD compares: Non-Finnish European, 0.13%; no homozygotes.

Submissions (6):

CeGaT Center for Human Genetics Tuebingen
Classification: Likely benign. Last evaluated: 2026-06-01. Review status: criteria provided, single submitter. Criteria: CeGaT Center For Human Genetics Tuebingen Variant Classification Criteria Version 2. Collection method: clinical testing. Allele origin: germline. Affected: yes. Observed: 7 variant alleles.
Comment: DCHS1: BP4

Labcorp Genetics (formerly Invitae), Labcorp
Classification: Likely benign. Last evaluated: 2026-01-23. Review status: criteria provided, single submitter. Criteria: Invitae Variant Classification Sherloc (09022015). Collection method: clinical testing. Allele origin: germline.

Blueprint Genetics
Classification: Likely benign. Last evaluated: 2024-11-21. Review status: criteria provided, single submitter. Criteria: ACMG Guidelines, 2015. Collection method: clinical testing. Allele origin: germline.

Ambry Genetics
Classification: Likely benign for Inborn genetic diseases. Last evaluated: 2023-06-29. Review status: criteria provided, single submitter. Criteria: Ambry Variant Classification Scheme 2023. Collection method: clinical testing. Allele origin: germline.

GeneDx
Classification: Likely benign. Last evaluated: 2020-05-11. Review status: criteria provided, single submitter. Criteria: GeneDx Variant Classification Process June 2021. Collection method: clinical testing. Allele origin: germline. Affected: yes.

PreventionGenetics, part of Exact Sciences
Classification: Likely benign for DCHS1-related condition. Last evaluated: 2019-10-16. Review status: no assertion criteria provided. Collection method: clinical testing. Allele origin: germline. Not counted in ClinVar's aggregate classification.
Comment: This variant is classified as likely benign based on ACMG/AMP sequence variant interpretation guidelines (Richards et al. 2015 PMID: 25741868, with internal and published modifications).

NM_003737.4(DCHS1):c.9609C>G (p.Pro3203=)

Gene: DCHS1 (dachsous cadherin-related 1; minus strand). Cytogenetic location: 11p15.4.
Variant type: single nucleotide variant.
Coding change: c.9609C>G on transcript NM_003737.4 (MANE Select); coding-DNA position 9609, C replaced by G.
Protein change: p.Pro3203=; no amino-acid change (proline 3203 retained).
Molecular consequence: synonymous variant.
Genome position (GRCh38, 1-based): chr11:6,622,067, G>C on the plus strand (C>G on the coding strand, the complement: DCHS1 is on the minus strand). VCF-style: chr11-6622067-G-C. GRCh37 (hg19) VCF-style: chr11-6643298-G-C.
Other names: c.9609C>G (NM_003737.2).
Identifiers: ClinVar variation 716807 (VCV000716807.44), dbSNP rs143630838, ClinGen allele CA5859215.